The following is an entry in ClinVar:

ClinVar aggregate classification (germline): Likely benign (1 of 4 stars; one submission).

Allele frequency attached by ClinVar (database versions not stated): ExAC 0.00002.
gnomAD v4.1: 23 of 1,612,698 alleles (0.0014%); highest among the groups gnomAD compares: South Asian, 0.021%; no homozygotes.

Submission:

CeGaT Center for Human Genetics Tuebingen
Classification: Likely benign. Last evaluated: 2023-11-01. Review status: criteria provided, single submitter. Criteria: CeGaT Center For Human Genetics Tuebingen Variant Classification Criteria Version 2. Collection method: clinical testing. Allele origin: germline. Affected: yes. Observed: 1 variant allele.
Comment: AHNAK2: BP4

NM_138420.4(AHNAK2):c.7471C>A (p.Pro2491Thr)

Gene: AHNAK2 (AHNAK nucleoprotein 2; minus strand). Cytogenetic location: 14q32.33.
Variant type: single nucleotide variant.
Coding change: c.7471C>A on transcript NM_138420.4 (MANE Select); coding-DNA position 7471, C replaced by A.
Protein change: p.Pro2491Thr; replaces proline 2491 with threonine.
Molecular consequence: missense variant.
Genome position (GRCh38, 1-based): chr14:104,947,980, G>T on the plus strand (C>A on the coding strand, the complement: AHNAK2 is on the minus strand). VCF-style: chr14-104947980-G-T. GRCh37 (hg19) VCF-style: chr14-105414317-G-T.
Other names: c.7171C>A, p.Pro2391Thr (NM_001350929.2); short protein forms P2391T, P2491T.
Identifiers: ClinVar variation 2672572 (VCV002672572.23), dbSNP rs764399346, ClinGen allele CA7380571.
Genomic context (GRCh38, chr14:104,947,980, plus strand): 5'-GCGCAGACACATCCACCGAGGCCTCGATGGACTTGCCTGGGGCAGACACCCCGAATGACG[G>T]CATCTTGAACTTGGGAATTTTGAACCTGCTGTCTTTGGTAGTCACATCCTTGTCCGCCAC-3'
Protein context (NP_612429.2, residues 2481-2501): SRFKIPKFKM[Pro2491Thr]SFGVSAPGKS